The following is an entry in ClinVar:

ClinVar aggregate classification (germline): Uncertain significance (1 of 4 stars; one submission).

Conditions:
POLD1-related polyposis and colorectal cancer syndrome (CRCS10). Also called: Colorectal cancer 10; COLORECTAL CANCER, SUSCEPTIBILITY TO, ON CHROMOSOME 19q; Colorectal cancer, susceptibility to, 10. Identifiers: Orphanet 220460, MedGen C2675481, MONDO:0012953, OMIM 612591.

gnomAD v4.1: 1 of 1,556,440 alleles (0.000064%); highest among the groups gnomAD compares: Non-Finnish European, 0.000087%; no homozygotes.

Submission:

Labcorp Genetics (formerly Invitae), Labcorp
Classification: Uncertain significance for POLD1-related polyposis and colorectal cancer syndrome. Last evaluated: 2026-01-14. Review status: criteria provided, single submitter. Criteria: Invitae Variant Classification Sherloc (09022015). Collection method: clinical testing. Allele origin: germline.
Comment: This sequence change replaces serine, which is neutral and polar, with leucine, which is neutral and non-polar, at codon 60 of the POLD1 protein (p.Ser60Leu). This variant is not present in population databases (gnomAD no frequency). This variant has not been reported in the literature in individuals affected with POLD1-related conditions. ClinVar contains an entry for this variant (Variation ID: 1019152). Invitae Evidence Modeling of protein sequence and biophysical properties (such as structural, functional, and spatial information, amino acid conservation, physicochemical variation, residue mobility, and thermodynamic stability) indicates that this missense variant is not expected to disrupt POLD1 protein function with a negative predictive value of 80%. In summary, the available evidence is currently insufficient to determine the role of this variant in disease. Therefore, it has been classified as a Variant of Uncertain Significance.

NM_002691.4(POLD1):c.179C>T (p.Ser60Leu)

Gene: POLD1 (DNA polymerase delta 1, catalytic subunit; plus strand). Cytogenetic location: 19q13.33.
Variant type: single nucleotide variant.
Coding change: c.179C>T on transcript NM_002691.4 (MANE Select); coding-DNA position 179, C replaced by T.
Protein change: p.Ser60Leu; replaces serine 60 with leucine.
Molecular consequence: missense variant. On other transcripts: non-coding transcript variant (1).
Genome position (GRCh38, 1-based): chr19:50,399,030, C>T. VCF-style: chr19-50399030-C-T. GRCh37 (hg19) VCF-style: chr19-50902287-C-T.
Other names: c.179C>T, p.Ser60Leu (NM_001256849.1, NM_001308632.1); short protein forms S60L.
Identifiers: ClinVar variation 1019152 (VCV001019152.10), dbSNP rs2038482013, ClinGen allele CA406970323.